The following is an entry in ClinVar:

NM_170601.5(SIAE):c.763T>G (p.Ser255Ala)

Gene: SIAE (sialic acid acetylesterase; minus strand). Cytogenetic location: 11q24.2.
Variant type: single nucleotide variant.
Coding change: c.763T>G on transcript NM_170601.5 (MANE Select); coding-DNA position 763, T replaced by G.
Protein change: p.Ser255Ala; replaces serine 255 with alanine.
Molecular consequence: missense variant.
Genome position (GRCh38, 1-based): chr11:124,648,135, A>C on the plus strand (T>G on the coding strand, the complement: SIAE is on the minus strand). VCF-style: chr11-124648135-A-C. GRCh37 (hg19) VCF-style: chr11-124518031-A-C.
Other names: c.658T>G, p.Ser220Ala (NM_001199922.2); short protein forms S255A, S220A.
Identifiers: ClinVar variation 1942238 (VCV001942238.5), dbSNP rs150328750, ClinGen allele CA6341412.

ClinVar aggregate classification (germline): Uncertain significance (1 of 4 stars; one submission).

Allele frequency attached by ClinVar (database versions not stated): gnomAD 0.00001; gnomAD exomes 0.00001; ExAC 0.00002; TOPMed 0.00002; ESP Exome Variant Server 0.00008.
gnomAD v4.1: 9 of 1,613,974 alleles (0.00056%); highest among the groups gnomAD compares: Non-Finnish European, 0.00076%; no homozygotes.

Submission:

Labcorp Genetics (formerly Invitae), Labcorp
Classification: Uncertain significance. Last evaluated: 2025-11-20. Review status: criteria provided, single submitter. Criteria: Invitae Variant Classification Sherloc (09022015). Collection method: clinical testing. Allele origin: germline.
Comment: This sequence change replaces serine, which is neutral and polar, with alanine, which is neutral and non-polar, at codon 255 of the SIAE protein (p.Ser255Ala). This variant is present in population databases (rs150328750, gnomAD 0.003%). This variant has not been reported in the literature in individuals affected with SIAE-related conditions. ClinVar contains an entry for this variant (Variation ID: 1942238). An algorithm developed to predict the effect of missense changes on protein structure and function (PolyPhen-2) suggests that this variant is likely to be disruptive. In summary, the available evidence is currently insufficient to determine the role of this variant in disease. Therefore, it has been classified as a Variant of Uncertain Significance.